The following is an entry in ClinVar:

NM_000260.4(MYO7A):c.6115G>T (p.Ala2039Ser)

Gene: MYO7A (myosin VIIA; plus strand). Cytogenetic location: 11q13.5.
Variant type: single nucleotide variant.
Coding change: c.6115G>T on transcript NM_000260.4 (MANE Select); coding-DNA position 6115, G replaced by T.
Protein change: p.Ala2039Ser; replaces alanine 2039 with serine.
Molecular consequence: missense variant.
Genome position (GRCh38, 1-based): chr11:77,211,215, G>T. VCF-style: chr11-77211215-G-T. GRCh37 (hg19) VCF-style: chr11-76922260-G-T.
Other names: c.6001G>T, p.Ala2001Ser (NM_001127180.2); c.5968G>T, p.Ala1990Ser (NM_001369365.1); short protein forms A1990S, A2001S, A2039S.
Identifiers: ClinVar variation 1345814 (VCV001345814.5), dbSNP rs1957843425, ClinGen allele CA381935788.

ClinVar aggregate classification (germline): Uncertain significance (1 of 4 stars; one submission).

Submission:

Labcorp Genetics (formerly Invitae), Labcorp
Classification: Uncertain significance. Last evaluated: 2022-09-08. Review status: criteria provided, single submitter. Criteria: Invitae Variant Classification Sherloc (09022015). Collection method: clinical testing. Allele origin: germline.
Comment: This sequence change replaces alanine, which is neutral and non-polar, with serine, which is neutral and polar, at codon 2039 of the MYO7A protein (p.Ala2039Ser). This variant is not present in population databases (gnomAD no frequency). This variant has not been reported in the literature in individuals affected with MYO7A-related conditions. ClinVar contains an entry for this variant (Variation ID: 1345814). Advanced modeling of protein sequence and biophysical properties (such as structural, functional, and spatial information, amino acid conservation, physicochemical variation, residue mobility, and thermodynamic stability) performed at Invitae indicates that this missense variant is not expected to disrupt MYO7A protein function. This variant disrupts the p.Ala2039 amino acid residue in MYO7A. Other variant(s) that disrupt this residue have been determined to be pathogenic (PMID: 29625443, 30826590). This suggests that this residue is clinically significant, and that variants that disrupt this residue are likely to be disease-causing. In summary, the available evidence is currently insufficient to determine the role of this variant in disease. Therefore, it has been classified as a Variant of Uncertain Significance.

Literature cited by the submitters: PubMed 29625443; PubMed 30826590.